The following is an entry in ClinVar:

NM_000053.4(ATP7B):c.695C>T (p.Pro232Leu)

Gene: ATP7B (ATPase copper transporting beta; minus strand). Cytogenetic location: 13q14.3.
Variant type: single nucleotide variant.
Coding change: c.695C>T on transcript NM_000053.4 (MANE Select); coding-DNA position 695, C replaced by T.
Protein change: p.Pro232Leu; replaces proline 232 with leucine.
Molecular consequence: missense variant.
Genome position (GRCh38, 1-based): chr13:51,974,525, G>A on the plus strand (C>T on the coding strand, the complement: ATP7B is on the minus strand). VCF-style: chr13-51974525-G-A. GRCh37 (hg19) VCF-style: chr13-52548661-G-A.
Other names: c.695C>T (NM_000053.3); c.695C>T, p.Pro232Leu (NM_001005918.3, NM_001243182.2, NM_001330578.2 and 1 more transcripts); short protein forms P232L.
Identifiers: ClinVar variation 2142555 (VCV002142555.6), dbSNP rs777932681, ClinGen allele CA6989509.
Genomic context (GRCh38, chr13:51,974,525, plus strand): 5'-TGGTGCCCCAAGGTCTCAGAATTATTAAAATTCTGGTTAGCAGAAGATAAAGGTCTCTTT[G>A]GGTTAGTGCTTTGTAACCGCTCAATATCAATTGGTCCCAGGCTTAAGGGAGCCACTTTGC-3'
Protein context (NP_000044.2, residues 222-242): IDIERLQSTN[Pro232Leu]KRPLSSANQN

ClinVar aggregate classification (germline): Conflicting classifications of pathogenicity. Review status: criteria provided, conflicting classifications (1 of 4 stars). 4 submissions from 4 submitters: Uncertain significance (3); Likely benign (1). Last evaluated 2024-09-12.

Conditions:
Wilson disease (WND). Also called: Wilson's disease. Identifiers: Orphanet 905, MedGen C0019202, MONDO:0010200, OMIM 277900. Disease mechanism: loss of function.

Allele frequency attached by ClinVar (database versions not stated): gnomAD 0.00001; TOPMed 0.00004 and 0.00005.
gnomAD v4.1: 19 of 1,614,044 alleles (0.0012%); highest among the groups gnomAD compares: East Asian, 0.04%; no homozygotes.

Submissions (4):

Labcorp Genetics (formerly Invitae), Labcorp
Classification: Likely benign for Wilson disease. Last evaluated: 2024-09-12. Review status: criteria provided, single submitter. Criteria: Invitae Variant Classification Sherloc (09022015). Collection method: clinical testing. Allele origin: germline.

GeneDx
Classification: Uncertain significance. Last evaluated: 2024-05-05. Review status: criteria provided, single submitter. Criteria: GeneDx Variant Classification Process June 2021. Collection method: clinical testing. Allele origin: germline. Affected: yes.
Comment: Observed with other ATP7B variants, phase unknown, in one individual out of 18 patients with a known or suspected diagnosis of Wilson disease in published literature (PMID: 35470480); In silico analysis indicates that this missense variant does not alter protein structure/function; This variant is associated with the following publications: (PMID: 35470480)

All of Us Research Program, National Institutes of Health
Classification: Uncertain significance for Wilson disease. Last evaluated: 2023-11-20. Review status: criteria provided, single submitter. Criteria: ACMG Guidelines, 2015. Collection method: clinical testing. Allele origin: germline. Inheritance: Autosomal recessive inheritance. Observed: 1 variant allele, 1 heterozygote.
Comment: This missense variant replaces proline with leucine at codon 232 of the ATP7B protein. Computational prediction suggests that this variant may not impact protein structure and function (internally defined REVEL score threshold <= 0.5, PMID: 27666373). To our knowledge, functional studies have not been reported for this variant. This variant has been reported in one individual affected with Wilson disease in unknown phase with two pathogenic variants in the same gene (PMID: 35470480). This variant has been identified in 19/249364 chromosomes in the general population by the Genome Aggregation Database (gnomAD). The available evidence is insufficient to determine the role of this variant in disease conclusively. Therefore, this variant is classified as a Variant of Uncertain Significance.

This study involves interpretation of variants in research participants for the purpose of population health screening. Participant phenotype was not available at the time of variant classification. Additional details can be found in publication PMID: 35346344, PMCID: PMC8962531

Color Diagnostics, LLC DBA Color Health
Classification: Uncertain significance for Wilson disease. Last evaluated: 2023-10-23. Review status: criteria provided, single submitter. Criteria: ACMG Guidelines, 2015. Collection method: clinical testing. Allele origin: germline.
Comment: This missense variant replaces proline with leucine at codon 232 of the ATP7B protein. Computational prediction suggests that this variant may not impact protein structure and function. To our knowledge, functional studies have not been reported for this variant. This variant has been reported in one individual affected with Wilson disease in unknown phase with two pathogenic variants in the same gene (PMID: 35470480). This variant has been identified in 19/249364 chromosomes in the general population by the Genome Aggregation Database (gnomAD). The available evidence is insufficient to determine the role of this variant in disease conclusively. Therefore, this variant is classified as a Variant of Uncertain Significance.

Literature cited by the submitters: PubMed 35470480 (cited by All of Us Research Program, National Institutes of Health and Color Diagnostics, LLC DBA Color Health).